The following is an entry in ClinVar:

NM_001244008.2(KIF1A):c.5021+3G>A

Gene: KIF1A (kinesin family member 1A; minus strand). Cytogenetic location: 2q37.3.
Variant type: single nucleotide variant.
Coding change: c.5021+3G>A on transcript NM_001244008.2 (MANE Select); 3 bases into the intron after coding-DNA position 5021, G replaced by A.
Molecular consequence: intron variant.
Genome position (GRCh38, 1-based): chr2:240,719,771, C>T on the plus strand (G>A on the coding strand, the complement: KIF1A is on the minus strand). VCF-style: chr2-240719771-C-T. GRCh37 (hg19) VCF-style: chr2-241659188-C-T.
Other names: c.4718+3G>A (NM_001379653.1, NM_001379650.1, NM_001379641.1 and 2 more transcripts); c.4994+3G>A (NM_001379645.1, NM_001379633.1); c.4844+3G>A (NM_001379635.1, NM_001379646.1); c.4715+3G>A (NM_001379640.1); c.4742+3G>A (NM_001379639.1); c.4745+3G>A (NM_001379649.1, NM_001320705.2); c.4832+3G>A (NM_001379636.1); c.4997+3G>A (NM_001379632.1); and 7 more.
Identifiers: ClinVar variation 2934178 (VCV002934178.3), dbSNP rs1160803337, ClinGen allele CA540752769.

ClinVar aggregate classification (germline): Uncertain significance (1 of 4 stars; one submission).

Conditions:
Neuropathy, hereditary sensory, type 2C. Also called: Hereditary sensory and autonomic neuropathy type IIC; KIF1A-Related HSAN2 (HSAN2C). Identifiers: Orphanet 970, MedGen C3280168, MONDO:0013634, OMIM 614213.
Hereditary spastic paraplegia 30. Identifiers: Orphanet 101010, MedGen C5235139, MONDO:0012476.
Intellectual disability, autosomal dominant 9 (NESCAVS). Also called: NESCAV SYNDROME; KIF1A-Related Neurodevelopmental Disorder. Identifiers: Orphanet 662367, MedGen C5393830, MONDO:0013656, OMIM 614255.

Allele frequency attached by ClinVar (database versions not stated): gnomAD exomes below 0.00001.
gnomAD v4.1: 6 of 1,571,384 alleles (0.00038%); highest among the groups gnomAD compares: Non-Finnish European, 0.00043%; no homozygotes.

Submission:

Labcorp Genetics (formerly Invitae), Labcorp
Classification: Uncertain significance for Hereditary spastic paraplegia 30; Neuropathy, hereditary sensory, type 2C; Intellectual disability, autosomal dominant 9. Last evaluated: 2023-09-22. Review status: criteria provided, single submitter. Criteria: Invitae Variant Classification Sherloc (09022015). Collection method: clinical testing. Allele origin: germline.
Comment: This sequence change falls in intron 43 of the KIF1A gene. It does not directly change the encoded amino acid sequence of the KIF1A protein. It affects a nucleotide within the consensus splice site. This variant is present in population databases (no rsID available, gnomAD 0.001%). In summary, the available evidence is currently insufficient to determine the role of this variant in disease. Therefore, it has been classified as a Variant of Uncertain Significance. Variants that disrupt the consensus splice site are a relatively common cause of aberrant splicing (PMID: 17576681, 9536098). Algorithms developed to predict the effect of sequence changes on RNA splicing suggest that this variant is not likely to affect RNA splicing. This variant has not been reported in the literature in individuals affected with KIF1A-related conditions.

Literature cited by the submitters: PubMed 17576681; PubMed 9536098.